The following is an entry in ClinVar:

NM_001031710.3(KLHL7):c.690_762del (p.Ala231fs)

Gene: KLHL7 (kelch like family member 7; plus strand). Cytogenetic location: 7p15.3.
Variant type: Deletion.
Coding change: c.690_762del on transcript NM_001031710.3 (MANE Select); coding-DNA positions 690 to 762, 73 bases deleted.
Protein change: p.Ala231fs; shifts the reading frame from alanine 231.
Molecular consequence: frameshift variant. On other transcripts: non-coding transcript variant (1).
Genome position (GRCh38, 1-based): chr7:23,143,922-23,143,994, 73 bases deleted. GRCh37 (hg19): chr7:23,183,541-23,183,613.
Other names: c.546_618del, p.Ala183fs (NM_018846.5); short protein forms A183fs, A231fs.
Identifiers: ClinVar variation 3615727 (VCV003615727.2).

ClinVar aggregate classification (germline): Pathogenic (1 of 4 stars; one submission).

Submission:

Labcorp Genetics (formerly Invitae), Labcorp
Classification: Pathogenic. Last evaluated: 2024-09-27. Review status: criteria provided, single submitter. Criteria: Invitae Variant Classification Sherloc (09022015). Collection method: clinical testing. Allele origin: germline.
Comment: This sequence change creates a premature translational stop signal (p.Ala231Thrfs*9) in the KLHL7 gene. It is expected to result in an absent or disrupted protein product. Loss-of-function variants in KLHL7 are known to be pathogenic (PMID: 27392078, 29074562, 30426380, 31953236). This variant is not present in population databases (gnomAD no frequency). This variant has not been reported in the literature in individuals affected with KLHL7-related conditions. For these reasons, this variant has been classified as Pathogenic.

Literature cited by the submitters: PubMed 27392078; PubMed 29074562; PubMed 30426380; PubMed 31953236.